The following is an entry in ClinVar:

ClinVar aggregate classification (germline): Pathogenic (1 of 4 stars; one submission).

Submission:

Labcorp Genetics (formerly Invitae), Labcorp
Classification: Pathogenic. Last evaluated: 2024-09-28. Review status: criteria provided, single submitter. Criteria: Invitae Variant Classification Sherloc (09022015). Collection method: clinical testing. Allele origin: germline.
Comment: This sequence change creates a premature translational stop signal (p.Gly928Argfs*156) in the COL18A1 gene. It is expected to result in an absent or disrupted protein product. Loss-of-function variants in COL18A1 are known to be pathogenic (PMID: 12415512, 25456301). This variant is not present in population databases (gnomAD no frequency). This variant has not been reported in the literature in individuals affected with COL18A1-related conditions. ClinVar contains an entry for this variant (Variation ID: 1426630). For these reasons, this variant has been classified as Pathogenic.

Literature cited by the submitters: PubMed 12415512; PubMed 25456301.

NM_001379500.1(COL18A1):c.2781dup (p.Gly928fs)

Genes: COL18A1 (collagen type XVIII alpha 1 chain; plus strand), SLC19A1 (solute carrier family 19 member 1; minus strand). Cytogenetic location: 21q22.3.
Variant type: Duplication.
Coding change: c.2781dup on transcript NM_001379500.1 (MANE Select); coding-DNA position 2781, one base duplicated (C; older notation c.2781dupC).
Protein change: p.Gly928fs; shifts the reading frame from glycine 928.
Molecular consequence: frameshift variant.
Genome position (GRCh38, 1-based): chr21:45,504,469, C duplicated; the last of 3 consecutive C bases (chr21:45,504,467-45,504,469); duplicating any one gives the same sequence. VCF-style (leftmost placement, unchanged base first): chr21-45504466-G-GC. GRCh37 (hg19) VCF-style: chr21-46924380-G-GC.
Other names: c.3321dup, p.Gly1108fs (NM_030582.4); c.4026dup, p.Gly1343fs (NM_130444.3); short protein forms G1343fs, G1108fs, G928fs.
Identifiers: ClinVar variation 1426630 (VCV001426630.6), dbSNP rs1203288518, ClinGen allele CA749787590.